The following is an entry in ClinVar:

NM_000038.6(APC):c.2508_2514del (p.Ser837fs)

Gene: APC (APC regulator of Wnt signaling pathway; plus strand). Cytogenetic location: 5q22.2.
Variant type: Deletion.
Coding change: c.2508_2514del on transcript NM_000038.6 (MANE Select); coding-DNA positions 2508 to 2514, 7 bases deleted (ATCAAGA; older notation c.2508_2514delATCAAGA).
Protein change: p.Ser837fs; shifts the reading frame from serine 837.
Molecular consequence: frameshift variant.
Genome position (GRCh38, 1-based): chr5:112,838,102-112,838,108, ATCAAGA deleted. VCF-style (leftmost placement, unchanged base first): chr5-112838101-CATCAAGA-C. GRCh37 (hg19) VCF-style: chr5-112173798-CATCAAGA-C.
Other names: c.2508_2514del, p.Ser837fs (NM_001127510.3, NM_001354895.2); c.2454_2460del, p.Ser819fs (NM_001127511.3); c.2562_2568del, p.Ser855fs (NM_001354896.2); c.2538_2544del, p.Ser847fs (NM_001354897.2); c.2433_2439del, p.Ser812fs (NM_001354898.2); c.2424_2430del, p.Ser809fs (NM_001354899.2); c.2385_2391del, p.Ser796fs (NM_001354900.2); c.2331_2337del, p.Ser778fs (NM_001354901.2); and 5 more; short protein forms S855fs, S736fs, S796fs, S809fs, S812fs, S847fs, S746fs, S554fs.
Identifiers: ClinVar variation 1420367 (VCV001420367.8), dbSNP rs2149871275, ClinGen allele CA2573138924.

ClinVar aggregate classification (germline): Pathogenic (1 of 4 stars; one submission).

Conditions:
Familial adenomatous polyposis 1 (FAP1). Also called: POLYPOSIS, ADENOMATOUS INTESTINAL; FAMILIAL ADENOMATOUS POLYPOSIS 1, ATTENUATED. Identifiers: MedGen C2713442, MONDO:0021056, OMIM 175100. Disease mechanism: loss of function.

Submission:

Labcorp Genetics (formerly Invitae), Labcorp
Classification: Pathogenic for Familial adenomatous polyposis 1. Last evaluated: 2021-04-18. Review status: criteria provided, single submitter. Criteria: Invitae Variant Classification Sherloc (09022015). Collection method: clinical testing. Allele origin: germline.
Comment: A different truncation (p.Tyr2645Lysfs*14) that lies downstream of this variant has been determined to be pathogenic (PMID: 9824584, 1316610, 27081525, 8381579, 22135120, Invitae). This suggests that deletion of this region of the APC protein is causative of disease. This sequence change creates a premature translational stop signal (p.Ser837Glufs*3) in the APC gene. While this is not anticipated to result in nonsense mediated decay, it is expected to disrupt the last 2007 amino acid(s) of the APC protein. This variant is not present in population databases (ExAC no frequency). This variant has not been reported in the literature in individuals with APC-related conditions. This variant is expected to disrupt the EB1 and HDLG binding sites, which mediate interactions with the cytoskeleton (PMID: 15311282, 17293347). While functional studies have not been performed to directly test the effect on APC protein function, this suggests that disruption of the C-terminal portion of the protein is functionally important. For these reasons, this variant has been classified as Pathogenic.

Literature cited by the submitters: PubMed 9824584; PubMed 1316610; PubMed 27081525; PubMed 8381579; PubMed 22135120; PubMed 15311282; PubMed 17293347.